The following is an entry in ClinVar:

ClinVar aggregate classification (germline): Uncertain significance (1 of 4 stars; one submission).

Conditions:
Myopathy, tubular aggregate, 2 (TAM2). Identifiers: MedGen C4014557, MONDO:0014383, OMIM 615883.
Combined immunodeficiency due to ORAI1 deficiency. Also called: IMMUNODEFICIENCY 9. Identifiers: Orphanet 169090, Orphanet 317428, MedGen C2748568, MONDO:0013007, OMIM 612782.

Allele frequency attached by ClinVar (database versions not stated): gnomAD exomes below 0.00001.

Submission:

Labcorp Genetics (formerly Invitae), Labcorp
Classification: Uncertain significance for Myopathy, tubular aggregate, 2; Combined immunodeficiency due to ORAI1 deficiency. Last evaluated: 2020-03-07. Review status: criteria provided, single submitter. Criteria: Invitae Variant Classification Sherloc (09022015). Collection method: clinical testing. Allele origin: germline.
Comment: This sequence change replaces arginine with cysteine at codon 11 of the ORAI1 protein (p.Arg11Cys). The arginine residue is weakly conserved and there is a large physicochemical difference between arginine and cysteine. The frequency data for this variant in the population databases is considered unreliable, as metrics indicate insufficient coverage at this position in the ExAC database. This variant has not been reported in the literature in individuals with ORAI1-related conditions. Experimental studies and prediction algorithms are not available or were not evaluated, and the functional significance of this variant is currently unknown. In summary, the available evidence is currently insufficient to determine the role of this variant in disease. Therefore, it has been classified as a Variant of Uncertain Significance.

NC_000012.12:g.121626773C>T

Genes: ORAI1 (ORAI calcium release-activated calcium modulator 1; plus strand), LOC130008987 (ATAC-STARR-seq lymphoblastoid silent region 4981; plus strand). Cytogenetic location: 12q24.31.
Variant type: single nucleotide variant.
Genome position: GRCh38 VCF-style: chr12-121626773-C-T. GRCh37 (hg19) VCF-style: chr12-122064678-C-T.
Other names: c.31C>T, p.Arg11Cys (NM_032790.4); short protein forms R11C.
Identifiers: ClinVar variation 1043918 (VCV001043918.7), dbSNP rs1892784662, ClinGen allele CA386980301.